The following is an entry in ClinVar:

NM_001282531.3(ADNP):c.709del (p.Val237fs)

Gene: ADNP (activity dependent neuroprotector homeobox; minus strand). Cytogenetic location: 20q13.13.
Variant type: Deletion.
Coding change: c.709del on transcript NM_001282531.3 (MANE Select); coding-DNA position 709, one base deleted (G; older notation c.709delG).
Protein change: p.Val237fs; shifts the reading frame from valine 237.
Molecular consequence: frameshift variant.
Genome position (GRCh38, 1-based): chr20:50,894,005, C deleted on the plus strand (G on the coding strand, the reverse complement: ADNP is on the minus strand); the first of 2 consecutive C bases (chr20:50,894,005-50,894,006); deleting either gives the same sequence. VCF-style (leftmost placement, unchanged base first): chr20-50894004-AC-A. GRCh37 (hg19) VCF-style: chr20-49510541-AC-A.
Other names: c.709del, p.Val237fs (NM_001282532.2, NM_001347511.2, NM_015339.5 and 1 more transcripts); short protein forms V237fs.
Identifiers: ClinVar variation 976124 (VCV000976124.1), dbSNP rs1981116316, ClinGen allele CA1139666742.

ClinVar aggregate classification (germline): Likely pathogenic (1 of 4 stars; one submission).

Conditions:
ADNP-related multiple congenital anomalies - intellectual disability - autism spectrum disorder. Also called: ADNP-Related Helsmoortel-Van der Aa Syndrome; Helsmoortel-Van der Aa Syndrome. Identifiers: Orphanet 404448, MedGen C4014538, MONDO:0014379, OMIM 615873. Disease mechanism: loss of function.

Submission:

Institute of Human Genetics, University of Leipzig Medical Center
Classification: Likely pathogenic for ADNP-related multiple congenital anomalies - intellectual disability - autism spectrum disorder. Last evaluated: 2017-08-30. Review status: criteria provided, single submitter. Criteria: ACMG Guidelines, 2015. Collection method: clinical testing. Allele origin: de novo. Affected: yes. Observed: 1 variant allele.
Comment: This variant was identified as de novo (maternity and paternity confirmed).